The following is an entry in ClinVar:

ClinVar aggregate classification (germline): Uncertain significance (1 of 4 stars; one submission).

Conditions:
TH-deficient dopa-responsive dystonia. Also called: Tyrosine Hydroxylase-Deficient Dopa-Responsive Dystonia; Segawa syndrome, autosomal recessive; DYT-TH. Identifiers: Orphanet 101150, MedGen C2673535, MONDO:0011551, OMIM 605407.

Submission:

Labcorp Genetics (formerly Invitae), Labcorp
Classification: Uncertain significance for TH-deficient dopa-responsive dystonia. Last evaluated: 2024-11-11. Review status: criteria provided, single submitter. Criteria: Invitae Variant Classification Sherloc (09022015). Collection method: clinical testing. Allele origin: germline.
Comment: This sequence change replaces glutamic acid, which is acidic and polar, with alanine, which is neutral and non-polar, at codon 258 of the TH protein (p.Glu258Ala). This variant is not present in population databases (gnomAD no frequency). This variant has not been reported in the literature in individuals affected with TH-related conditions. ClinVar contains an entry for this variant (Variation ID: 1357152). Invitae Evidence Modeling of protein sequence and biophysical properties (such as structural, functional, and spatial information, amino acid conservation, physicochemical variation, residue mobility, and thermodynamic stability) has been performed for this missense variant. However, the output from this modeling did not meet the statistical confidence thresholds required to predict the impact of this variant on TH protein function. In summary, the available evidence is currently insufficient to determine the role of this variant in disease. Therefore, it has been classified as a Variant of Uncertain Significance.

NM_000360.4(TH):c.680A>C (p.Glu227Ala)

Gene: TH (tyrosine hydroxylase; minus strand). Cytogenetic location: 11p15.5.
Variant type: single nucleotide variant.
Coding change: c.680A>C on transcript NM_000360.4 (MANE Select); coding-DNA position 680, A replaced by C.
Protein change: p.Glu227Ala; replaces glutamic acid 227 with alanine.
Molecular consequence: missense variant.
Genome position (GRCh38, 1-based): chr11:2,167,450, T>G on the plus strand (A>C on the coding strand, the complement: TH is on the minus strand). VCF-style: chr11-2167450-T-G. GRCh37 (hg19) VCF-style: chr11-2188680-T-G.
Other names: c.773A>C, p.Glu258Ala (NM_199292.3); c.761A>C, p.Glu254Ala (NM_199293.3); short protein forms E254A, E258A, E227A.
Identifiers: ClinVar variation 1357152 (VCV001357152.8), dbSNP rs929509309, ClinGen allele CA379127354.
Genomic context (GRCh38, chr11:2,167,450, plus strand): 5'-ATCCCCCGGGCTCCTCCCCAGCCCCTAGCTGCACGGAGGTCTCACCAGGTGGCAATCTCC[T>G]CGGCGGTGTACTCCACACGGGGAATCGGGTCGCCGCTGGGGAGGGGGCCAGTGGTCAGCA-3'
Protein context (NP_000351.2, residues 217-237): DPIPRVEYTA[Glu227Ala]EIATWKEVYT